The following is an entry in ClinVar:

NM_013276.4(SHPK):c.866C>T (p.Pro289Leu)

Gene: SHPK (sedoheptulokinase; minus strand). Cytogenetic location: 17p13.2.
Variant type: single nucleotide variant.
Coding change: c.866C>T on transcript NM_013276.4 (MANE Select); coding-DNA position 866, C replaced by T.
Protein change: p.Pro289Leu; replaces proline 289 with leucine.
Molecular consequence: missense variant.
Genome position (GRCh38, 1-based): chr17:3,615,495, G>A on the plus strand (C>T on the coding strand, the complement: SHPK is on the minus strand). VCF-style: chr17-3615495-G-A. GRCh37 (hg19) VCF-style: chr17-3518789-G-A.
Other names: short protein forms P289L.
Identifiers: ClinVar variation 1939348 (VCV001939348.5), dbSNP rs2507572227, ClinGen allele CA397699637.

ClinVar aggregate classification (germline): Uncertain significance (1 of 4 stars; one submission).

gnomAD v4.1: 5 of 1,614,182 alleles (0.00031%); highest among the groups gnomAD compares: Non-Finnish European, 0.00042%; no homozygotes.

Submission:

Labcorp Genetics (formerly Invitae), Labcorp
Classification: Uncertain significance. Last evaluated: 2022-06-14. Review status: criteria provided, single submitter. Criteria: Invitae Variant Classification Sherloc (09022015). Collection method: clinical testing. Allele origin: germline.
Comment: This sequence change replaces proline, which is neutral and non-polar, with leucine, which is neutral and non-polar, at codon 289 of the SHPK protein (p.Pro289Leu). This variant is not present in population databases (gnomAD no frequency). This variant has not been reported in the literature in individuals affected with SHPK-related conditions. Algorithms developed to predict the effect of missense changes on protein structure and function are either unavailable or do not agree on the potential impact of this missense change (SIFT: "Deleterious"; PolyPhen-2: "Possibly Damaging"; Align-GVGD: "Class C0"). Algorithms developed to predict the effect of sequence changes on RNA splicing suggest that this variant may create or strengthen a splice site. In summary, the available evidence is currently insufficient to determine the role of this variant in disease. Therefore, it has been classified as a Variant of Uncertain Significance.